The following is an entry in ClinVar:

NM_012471.3(TRPC5):c.1158G>A (p.Gln386=)

Gene: TRPC5 (transient receptor potential cation channel subfamily C member 5; minus strand). Cytogenetic location: Xq23.
Variant type: single nucleotide variant.
Coding change: c.1158G>A on transcript NM_012471.3 (MANE Select); coding-DNA position 1158, G replaced by A.
Protein change: p.Gln386=; no amino-acid change (glutamine 386 retained).
Molecular consequence: synonymous variant.
Genome position (GRCh38, 1-based): chrX:111,853,849, C>T on the plus strand (G>A on the coding strand, the complement: TRPC5 is on the minus strand). VCF-style: chrX-111853849-C-T. GRCh37 (hg19) VCF-style: chrX-111097077-C-T.
Identifiers: ClinVar variation 3354982 (VCV003354982.1).

ClinVar aggregate classification (germline): Likely benign (0 of 4 stars; one submission).

Conditions:
TRPC5-related disorder. Also called: TRPC5-related condition.

gnomAD v4.1: 14 of 1,210,272 alleles (0.0012%); highest among the groups gnomAD compares: Non-Finnish European, 0.0016%; no homozygotes.

Submission:

PreventionGenetics, part of Exact Sciences
Classification: Likely benign for TRPC5-related condition. Last evaluated: 2024-06-13. Review status: no assertion criteria provided. Collection method: clinical testing. Allele origin: germline.
Comment: This variant is classified as likely benign based on ACMG/AMP sequence variant interpretation guidelines (Richards et al. 2015 PMID: 25741868, with internal and published modifications).